The following is an entry in ClinVar:

NM_198880.3(QRICH1):c.214dup (p.Ser72fs)

Gene: QRICH1 (glutamine rich 1; minus strand). Cytogenetic location: 3p21.31.
Variant type: Duplication.
Coding change: c.214dup on transcript NM_198880.3 (MANE Select); coding-DNA position 214, one base duplicated (T; older notation c.214dupT).
Protein change: p.Ser72fs; shifts the reading frame from serine 72.
Molecular consequence: frameshift variant.
Genome position (GRCh38, 1-based): chr3:49,076,804, A duplicated on the plus strand (T on the coding strand, the reverse complement: QRICH1 is on the minus strand). VCF-style (leftmost placement, unchanged base first): chr3-49076803-G-GA. GRCh37 (hg19) VCF-style: chr3-49114236-G-GA.
Other names: c.214dup, p.Ser72fs (NM_001320580.2, NM_001320581.2, NM_001320582.2 and 4 more transcripts); short protein forms S72fs.
Identifiers: ClinVar variation 4535302 (VCV004535302.6).

ClinVar aggregate classification (germline): Pathogenic (1 of 4 stars; one submission).

Submission:

CeGaT Center for Human Genetics Tuebingen
Classification: Pathogenic. Last evaluated: 2025-11-01. Review status: criteria provided, single submitter. Criteria: CeGaT Center For Human Genetics Tuebingen Variant Classification Criteria Version 2. Collection method: clinical testing. Allele origin: germline. Affected: yes. Observed: 2 variant alleles.
Comment: QRICH1: PVS1, PM2